The following is an entry in ClinVar:

ClinVar aggregate classification (germline): Pathogenic. Review status: criteria provided, multiple submitters, no conflicts (2 of 4 stars). 3 submissions from 3 submitters: Pathogenic (3). Last evaluated 2025-06-01.

Conditions:
Cardiovascular phenotype. Identifiers: MedGen CN230736.
Hereditary cancer-predisposing syndrome. Also called: Neoplastic Syndromes, Hereditary; Tumor predisposition; Hereditary Cancer Syndrome; Hereditary neoplastic syndrome. Identifiers: Orphanet 140162, MedGen C0027672, MeSH D009386, MONDO:0015356.
Neurofibromatosis, type 1 (NF1). Also called: VON RECKLINGHAUSEN DISEASE; NEUROFIBROMATOSIS, TYPE I, SOMATIC; Neurofibromatosis, type I; Peripheral type neurofibromatosis. Identifiers: Orphanet 636, MedGen C0027831, MONDO:0018975, OMIM 162200. Disease mechanism: loss of function.

Submissions (3):

Labcorp Genetics (formerly Invitae), Labcorp
Classification: Pathogenic for Neurofibromatosis, type 1. Last evaluated: 2025-06-01. Review status: criteria provided, single submitter. Criteria: Invitae Variant Classification Sherloc (09022015). Collection method: clinical testing. Allele origin: germline.
Comment: This sequence change creates a premature translational stop signal (p.Leu164*) in the NF1 gene. It is expected to result in an absent or disrupted protein product. Loss-of-function variants in NF1 are known to be pathogenic (PMID: 10712197, 23913538). This variant is not present in population databases (gnomAD no frequency). This premature translational stop signal has been observed in individual(s) with clinical features of neurofibromatosis type 1 (PMID: 18546366, 25325900). ClinVar contains an entry for this variant (Variation ID: 1744118). For these reasons, this variant has been classified as Pathogenic.

GeneDx
Classification: Pathogenic. Last evaluated: 2022-12-23. Review status: criteria provided, single submitter. Criteria: GeneDx Variant Classification Process June 2021. Collection method: clinical testing. Allele origin: germline. Affected: yes.
Comment: Nonsense variant predicted to result in nonsense mediated decay in a gene for which loss of function is a known mechanism of disease; Not observed at significant frequency in large population cohorts (gnomAD); This variant is associated with the following publications: (PMID: 29191620, 18546366)

Ambry Genetics
Classification: Pathogenic for Cardiovascular phenotype; Hereditary cancer-predisposing syndrome. Last evaluated: 2021-04-19. Review status: criteria provided, single submitter. Criteria: Ambry Variant Classification Scheme 2023. Collection method: clinical testing. Allele origin: germline.
Comment: The p.L164* pathogenic mutation (also known as c.491T>G), located in coding exon 5 of the NF1 gene, results from a T to G substitution at nucleotide position 491. This changes the amino acid from a leucine to a stop codon within coding exon 5. This alteration has been identified in a patient referred for testing due to clinical suspicion of neurofibromatosis type 1 (Pros E et al. Hum Mutat, 2008 Sep;29:E173-93). In addition to the clinical data presented in the literature, this alteration is expected to result in loss of function by premature protein truncation or nonsense-mediated mRNA decay. As such, this alteration is interpreted as a disease-causing mutation.

Literature cited by the submitters: PubMed 10712197 (cited by Labcorp Genetics (formerly Invitae), Labcorp); PubMed 23913538 (cited by Labcorp Genetics (formerly Invitae), Labcorp); PubMed 18546366 (cited by Labcorp Genetics (formerly Invitae), Labcorp); PubMed 25325900 (cited by Labcorp Genetics (formerly Invitae), Labcorp).

NM_001042492.3(NF1):c.491T>G (p.Leu164Ter)

Gene: NF1 (neurofibromin 1; plus strand). Cytogenetic location: 17q11.2.
Variant type: single nucleotide variant.
Coding change: c.491T>G on transcript NM_001042492.3 (MANE Select); coding-DNA position 491, T replaced by G.
Protein change: p.Leu164Ter; replaces leucine 164 with a stop codon.
Molecular consequence: nonsense.
Genome position (GRCh38, 1-based): chr17:31,169,902, T>G. VCF-style: chr17-31169902-T-G. GRCh37 (hg19) VCF-style: chr17-29496920-T-G.
Other names: c.491T>G, p.Leu164Ter (NM_000267.4, NM_001128147.3); short protein forms L164*.
Identifiers: ClinVar variation 1744118 (VCV001744118.6), dbSNP rs2544718715, ClinGen allele CA398984741.
Genomic context (GRCh38, chr17:31,169,902, plus strand): 5'-GTCCCCTAATACTTAATTTGATAAGTTAATTTTGGTTTTTACTTTTTAGGTTACAGGAAT[T>G]AACTGTTTGTTCAGAAGACAATGTTGATGTTCATGATATAGAATTGTTACAGTATATCAA-3'